The following is an entry in ClinVar:

ClinVar aggregate classification (germline): Pathogenic. Review status: criteria provided, multiple submitters, no conflicts (2 of 4 stars). 4 submissions from 4 submitters: Pathogenic (4). Last evaluated 2025-01-23.

Conditions:
Retinal dystrophy. Also called: Inherited retinal dystrophy. Identifiers: Orphanet 71862, MedGen C0854723, MeSH D058499, MONDO:0019118, HP:0000556.
Stargardt disease (FFM). Also called: Stargardt's disease; Fundus flavimaculatus. Identifiers: Orphanet 827, MedGen C0271093, MONDO:0019353.
Retinitis pigmentosa 14 (RP14). Also called: RETINITIS PIGMENTOSA, JUVENILE, TULP1-RELATED. Identifiers: Orphanet 791, MedGen C1838603, MONDO:0010827, OMIM 600132.

Submissions (4):

3billion
Classification: Pathogenic for Retinitis pigmentosa 14. Last evaluated: 2025-01-23. Review status: criteria provided, single submitter. Criteria: ACMG Guidelines, 2015. Collection method: clinical testing. Allele origin: germline. Affected: yes.
Comment: The variant is not observed in the gnomAD v4.1.0 dataset. Predicted Consequence/Location: Stop-gained (nonsense): predicted to result in a loss or disruption of normal protein function through nonsense-mediated decay (NMD) or protein truncation. Multiple pathogenic variants are reported downstream of the variant. The variant has been reported at least twice as pathogenic without evidence for the classification (ClinVar ID: VCV000813100). Therefore, this variant is classified as Pathogenic according to the recommendation of ACMG/AMP guideline.

Institute of Human Genetics, Univ. Regensburg, Univ. Regensburg
Classification: Pathogenic for Retinal dystrophy. Last evaluated: 2021-01-01. Review status: criteria provided, single submitter. Criteria: ACMG Guidelines, 2015. Collection method: clinical testing. Allele origin: germline. Affected: yes.

Molecular Genetics Laboratory, Institute for Ophthalmic Research
Classification: Pathogenic for Stargardt disease. Last evaluated: 2020-01-09. Review status: criteria provided, single submitter. Criteria: ACMG Guidelines, 2015. Collection method: research. Allele origin: germline. Affected: yes.

CeGaT Center for Human Genetics Tuebingen
Classification: Pathogenic. Last evaluated: 2019-02-01. Review status: criteria provided, single submitter. Criteria: CeGaT Center For Human Genetics Tuebingen Variant Classification Criteria Version 2. Collection method: clinical testing. Allele origin: germline. Affected: yes. Observed: 1 variant allele.

Literature cited by the submitters: PubMed 32531858 (cited by Institute of Human Genetics, Univ. Regensburg, Univ. Regensburg).

NM_003322.6(TULP1):c.1201C>T (p.Gln401Ter)

Gene: TULP1 (TUB like protein 1; minus strand). Cytogenetic location: 6p21.31.
Variant type: single nucleotide variant.
Coding change: c.1201C>T on transcript NM_003322.6 (MANE Select); coding-DNA position 1201, C replaced by T.
Protein change: p.Gln401Ter; replaces glutamine 401 with a stop codon.
Molecular consequence: nonsense.
Genome position (GRCh38, 1-based): chr6:35,503,760, G>A on the plus strand (C>T on the coding strand, the complement: TULP1 is on the minus strand). VCF-style: chr6-35503760-G-A. GRCh37 (hg19) VCF-style: chr6-35471537-G-A.
Other names: c.1042C>T, p.Gln348Ter (NM_001289395.2); short protein forms Q348*, Q401*.
Identifiers: ClinVar variation 813100 (VCV000813100.41), dbSNP rs1761021773, ClinGen allele CA363779290.
Genomic context (GRCh38, chr6:35,503,760, plus strand): 5'-GGAGCAGCCTGGCATGGGGGACAGGTGGAGTCCTCACATAGATCACAGCTGCCAGCTCCT[G>A]CCGAAGGCTTGCCACATTAGTGCTGTACCCACGCTGTGGGTTCTGCCCGTTGTCAAAGAC-3'